The following is an entry in ClinVar:

ClinVar aggregate classification (germline): Benign/Likely benign. Review status: criteria provided, multiple submitters, no conflicts (2 of 4 stars). 3 submissions from 3 submitters: Benign (1); Likely benign (2). Last evaluated 2026-04-27.

Conditions:
Colorectal cancer, susceptibility to, 1. Also called: COLORECTAL ADENOMA AND CANCER, SUSCEPTIBILITY TO; COLORECTAL CANCER, SUSCEPTIBILITY TO, ON CHROMOSOME 9. Identifiers: MedGen C1837315, MONDO:0012132, OMIM 608812.

Allele frequency attached by ClinVar (database versions not stated): gnomAD exomes 0.00001 and below 0.00001; ESP Exome Variant Server 0.00008; TOPMed below 0.00001; ExAC 0.00001.
gnomAD v4.1: 4 of 1,614,196 alleles (0.00025%); highest among the groups gnomAD compares: Non-Finnish European, 0.00034%; no homozygotes.

Submissions (3):

Myriad Genetics, Inc.
Classification: Benign for Colorectal cancer, susceptibility to, 1. Last evaluated: 2026-04-27. Review status: criteria provided, single submitter. Criteria: Myriad Autosomal Dominant, Autosomal Recessive and X-Linked Classification Criteria (2023). Collection method: clinical testing. Allele origin: unknown.
Comment: This variant is considered benign. This variant is a silent/synonymous amino acid change and it is not expected to impact splicing.

Labcorp Genetics (formerly Invitae), Labcorp
Classification: Likely benign. Last evaluated: 2025-06-09. Review status: criteria provided, single submitter. Criteria: Invitae Variant Classification Sherloc (09022015). Collection method: clinical testing. Allele origin: germline.

Ambry Genetics
Classification: Likely benign. Last evaluated: 2018-01-02. Review status: criteria provided, single submitter. Criteria: Ambry Variant Classification Scheme 2023. Collection method: clinical testing. Allele origin: germline.

NM_024642.5(GALNT12):c.1203T>C (p.Arg401=)

Gene: GALNT12 (polypeptide N-acetylgalactosaminyltransferase 12; plus strand). Cytogenetic location: 9q22.33.
Variant type: single nucleotide variant.
Coding change: c.1203T>C on transcript NM_024642.5 (MANE Select); coding-DNA position 1203, T replaced by C.
Protein change: p.Arg401=; no amino-acid change (arginine 401 retained).
Molecular consequence: synonymous variant.
Genome position (GRCh38, 1-based): chr9:98,837,139, T>C. VCF-style: chr9-98837139-T-C. GRCh37 (hg19) VCF-style: chr9-101599421-T-C.
Identifiers: ClinVar variation 791602 (VCV000791602.14), dbSNP rs140977555, ClinGen allele CA5154184.